The following is an entry in ClinVar:

NM_004444.5(EPHB4):c.2093A>G (p.Asn698Ser)

Gene: EPHB4 (EPH receptor B4; minus strand). Cytogenetic location: 7q22.1.
Variant type: single nucleotide variant.
Coding change: c.2093A>G on transcript NM_004444.5 (MANE Select); coding-DNA position 2093, A replaced by G.
Protein change: p.Asn698Ser; replaces asparagine 698 with serine.
Molecular consequence: missense variant.
Genome position (GRCh38, 1-based): chr7:100,812,772, T>C on the plus strand (A>G on the coding strand, the complement: EPHB4 is on the minus strand). VCF-style: chr7-100812772-T-C. GRCh37 (hg19) VCF-style: chr7-100410394-T-C.
Other names: c.2093A>G (NM_004444.4); short protein forms N698S.
Identifiers: ClinVar variation 1939486 (VCV001939486.6), dbSNP rs369790197, ClinGen allele CA368570000.

ClinVar aggregate classification (germline): Uncertain significance. Review status: criteria provided, multiple submitters, no conflicts (2 of 4 stars). 2 submissions from 2 submitters: Uncertain significance (2). Last evaluated 2026-03-09.

Conditions:
Cardiovascular phenotype. Identifiers: MedGen CN230736.

Allele frequency attached by ClinVar (database versions not stated): gnomAD exomes below 0.00001.
gnomAD v4.1: 3 of 1,613,994 alleles (0.00019%); highest among the groups gnomAD compares: Non-Finnish European, 0.00025%; no homozygotes.

Submissions (2):

Ambry Genetics
Classification: Uncertain significance for Cardiovascular phenotype. Last evaluated: 2026-03-09. Review status: criteria provided, single submitter. Criteria: Ambry Variant Classification Scheme 2023. Collection method: clinical testing. Allele origin: germline.
Comment: The p.N698S variant (also known as c.2093A>G), located in coding exon 12 of the EPHB4 gene, results from an A to G substitution at nucleotide position 2093. The asparagine at codon 698 is replaced by serine, an amino acid with highly similar properties. This amino acid position is conserved. In addition, this alteration is predicted to be tolerated by in silico analysis. Based on the available evidence, the clinical significance of this variant remains unclear.

Labcorp Genetics (formerly Invitae), Labcorp
Classification: Uncertain significance. Last evaluated: 2023-02-03. Review status: criteria provided, single submitter. Criteria: Invitae Variant Classification Sherloc (09022015). Collection method: clinical testing. Allele origin: germline.
Comment: This sequence change replaces asparagine, which is neutral and polar, with serine, which is neutral and polar, at codon 698 of the EPHB4 protein (p.Asn698Ser). This variant is not present in population databases (gnomAD no frequency). This variant has not been reported in the literature in individuals affected with EPHB4-related conditions. Advanced modeling of protein sequence and biophysical properties (such as structural, functional, and spatial information, amino acid conservation, physicochemical variation, residue mobility, and thermodynamic stability) performed at Invitae indicates that this missense variant is expected to disrupt EPHB4 protein function. In summary, the available evidence is currently insufficient to determine the role of this variant in disease. Therefore, it has been classified as a Variant of Uncertain Significance.